The following is an entry in ClinVar:

NM_000270.4(PNP):c.736A>G (p.Ile246Val)

Gene: PNP (purine nucleoside phosphorylase; plus strand). Cytogenetic location: 14q11.2.
Variant type: single nucleotide variant.
Coding change: c.736A>G on transcript NM_000270.4 (MANE Select); coding-DNA position 736, A replaced by G.
Protein change: p.Ile246Val; replaces isoleucine 246 with valine.
Molecular consequence: missense variant.
Genome position (GRCh38, 1-based): chr14:20,476,467, A>G. VCF-style: chr14-20476467-A-G. GRCh37 (hg19) VCF-style: chr14-20944626-A-G.
Other names: short protein forms I246V.
Identifiers: ClinVar variation 2006146 (VCV002006146.4), dbSNP rs761403833, ClinGen allele CA7082218.

ClinVar aggregate classification (germline): Uncertain significance (1 of 4 stars; one submission).

Conditions:
Purine-nucleoside phosphorylase deficiency. Also called: Immunodeficiency due to purine nucleoside phosphorylase deficiency; NUCLEOSIDE PHOSPHORYLASE DEFICIENCY. Identifiers: Orphanet 760, MedGen C0268125, MONDO:0013171, OMIM 613179.

Allele frequency attached by ClinVar (database versions not stated): gnomAD exomes below 0.00001; ExAC 0.00001.
gnomAD v4.1: 2 of 1,614,224 alleles (0.00012%); highest among the groups gnomAD compares: Admixed American, 0.0017%; no homozygotes.

Submission:

Labcorp Genetics (formerly Invitae), Labcorp
Classification: Uncertain significance for Purine-nucleoside phosphorylase deficiency. Last evaluated: 2022-06-14. Review status: criteria provided, single submitter. Criteria: Invitae Variant Classification Sherloc (09022015). Collection method: clinical testing. Allele origin: germline.
Comment: This sequence change replaces isoleucine, which is neutral and non-polar, with valine, which is neutral and non-polar, at codon 246 of the PNP protein (p.Ile246Val). This variant is present in population databases (rs761403833, gnomAD 0.003%). This variant has not been reported in the literature in individuals affected with PNP-related conditions. Algorithms developed to predict the effect of missense changes on protein structure and function output the following: SIFT: "Tolerated"; PolyPhen-2: "Benign"; Align-GVGD: "Class C0". The valine amino acid residue is found in multiple mammalian species, which suggests that this missense change does not adversely affect protein function. In summary, the available evidence is currently insufficient to determine the role of this variant in disease. Therefore, it has been classified as a Variant of Uncertain Significance.